The following is an entry in ClinVar:

NM_001555.5(IGSF1):c.3127G>C (p.Asp1043His)

Gene: IGSF1 (immunoglobulin superfamily member 1; minus strand). Cytogenetic location: Xq26.1.
Variant type: single nucleotide variant.
Coding change: c.3127G>C on transcript NM_001555.5 (MANE Select); coding-DNA position 3127, G replaced by C.
Protein change: p.Asp1043His; replaces aspartic acid 1043 with histidine.
Molecular consequence: missense variant.
Genome position (GRCh38, 1-based): chrX:131,275,535, C>G on the plus strand (G>C on the coding strand, the complement: IGSF1 is on the minus strand). VCF-style: chrX-131275535-C-G. GRCh37 (hg19) VCF-style: chrX-130409509-C-G.
Other names: c.3142G>C, p.Asp1048His (NM_001170961.2); c.3100G>C, p.Asp1034His (NM_001170962.2); short protein forms D1034H, D1043H, D1048H.
Identifiers: ClinVar variation 3362131 (VCV003362131.1).
Genomic context (GRCh38, chrX:131,275,535, plus strand): 5'-TACCTGTGACTAGGAGTTCCAGGGTGTTGCTAGGTTGTATCTTGATAGAACTGGTCCAGT[C>G]AGGGTGGTAGCAGCAGCTGTAACGCCCCATGCTAGTACCAGATATATTGGTGATGGGGAA-3'
Protein context (NP_001546.2, residues 1033-1053): MGRYSCCYHP[Asp1043His]WTSSIKIQPS

ClinVar aggregate classification (germline): Uncertain significance (1 of 4 stars; one submission).

Submission:

GeneDx
Classification: Uncertain significance. Last evaluated: 2023-05-26. Review status: criteria provided, single submitter. Criteria: GeneDx Variant Classification Process June 2021. Collection method: clinical testing. Allele origin: germline. Affected: yes.
Comment: Not observed at significant frequency in large population cohorts (gnomAD); In silico analysis supports that this missense variant does not alter protein structure/function; Has not been previously published as pathogenic or benign to our knowledge